The following is an entry in ClinVar:

NM_176787.5(PIGN):c.1439C>A (p.Pro480Gln)

Gene: PIGN (phosphatidylinositol glycan anchor biosynthesis class N; minus strand). Cytogenetic location: 18q21.33.
Variant type: single nucleotide variant.
Coding change: c.1439C>A on transcript NM_176787.5 (MANE Select); coding-DNA position 1439, C replaced by A.
Protein change: p.Pro480Gln; replaces proline 480 with glutamine.
Molecular consequence: missense variant. On other transcripts: intron variant (1).
Genome position (GRCh38, 1-based): chr18:62,109,969, G>T on the plus strand (C>A on the coding strand, the complement: PIGN is on the minus strand). VCF-style: chr18-62109969-G-T. GRCh37 (hg19) VCF-style: chr18-59777202-G-T.
Other names: c.1439C>A, p.Pro480Gln (NM_001438896.1, NM_001438904.1, NM_001438905.1 and 1 more transcripts); c.1173-2884C>A (NM_001438910.1); short protein forms P480Q.
Identifiers: ClinVar variation 4746883 (VCV004746883.1).

ClinVar aggregate classification (germline): Uncertain significance (1 of 4 stars; one submission).

Conditions:
Multiple congenital anomalies-hypotonia-seizures syndrome 1 (MCAHS1). Also called: PIGN-CDG; Congenital disorder of glycosylation due to PIGN deficiency; GLYCOSYLPHOSPHATIDYLINOSITOL BIOSYNTHESIS DEFECT 3. Identifiers: Orphanet 280633, MedGen C3279775, MONDO:0013563, OMIM 614080.

Submission:

Labcorp Genetics (formerly Invitae), Labcorp
Classification: Uncertain significance for Multiple congenital anomalies-hypotonia-seizures syndrome 1. Last evaluated: 2025-11-16. Review status: criteria provided, single submitter. Criteria: Invitae Variant Classification Sherloc (09022015). Collection method: clinical testing. Allele origin: germline.
Comment: This sequence change replaces proline, which is neutral and non-polar, with glutamine, which is neutral and polar, at codon 480 of the PIGN protein (p.Pro480Gln). This variant is not present in population databases (gnomAD no frequency). This variant has not been reported in the literature in individuals affected with PIGN-related conditions. Invitae Evidence Modeling of protein sequence and biophysical properties (such as structural, functional, and spatial information, amino acid conservation, physicochemical variation, residue mobility, and thermodynamic stability) indicates that this missense variant is not expected to disrupt PIGN protein function with a negative predictive value of 80%. In summary, the available evidence is currently insufficient to determine the role of this variant in disease. Therefore, it has been classified as a Variant of Uncertain Significance.